The following is an entry in ClinVar:

NM_001012339.3(DNAJC21):c.766C>A (p.Gln256Lys)

Gene: DNAJC21 (DnaJ heat shock protein family (Hsp40) member C21; plus strand). Cytogenetic location: 5p13.2.
Variant type: single nucleotide variant.
Coding change: c.766C>A on transcript NM_001012339.3 (MANE Select); coding-DNA position 766, C replaced by A.
Protein change: p.Gln256Lys; replaces glutamine 256 with lysine.
Molecular consequence: missense variant.
Genome position (GRCh38, 1-based): chr5:34,938,880, C>A. VCF-style: chr5-34938880-C-A. GRCh37 (hg19) VCF-style: chr5-34938985-C-A.
Other names: c.766C>A, p.Gln256Lys (NM_001348420.2, NM_194283.4); short protein forms Q256K.
Identifiers: ClinVar variation 1431617 (VCV001431617.5), dbSNP rs778531830, ClinGen allele CA3228575.
Genomic context (GRCh38, chr5:34,938,880, plus strand): 5'-CGTGCTTGTCGCTGTGAGACTGTGCTGTATGTGTCTAGACTGGTGGAGCAGTACAGAGAA[C>A]AGAGCTGGATGACTATGGCCAATTTGGAGAAAGAGCTCCAGGAGATGGAGGCACGGTACG-3'
Protein context (NP_001012339.2, residues 246-266): QAKLVEQYRE[Gln256Lys]SWMTMANLEK

ClinVar aggregate classification (germline): Uncertain significance (1 of 4 stars; one submission).

Allele frequency attached by ClinVar (database versions not stated): ExAC 0.00002; gnomAD 0.00002; gnomAD exomes 0.00002; TOPMed 0.00002.
gnomAD v4.1: 29 of 1,613,852 alleles (0.0018%); highest among the groups gnomAD compares: Non-Finnish European, 0.0025%; no homozygotes.

Submission:

Labcorp Genetics (formerly Invitae), Labcorp
Classification: Uncertain significance. Last evaluated: 2021-08-30. Review status: criteria provided, single submitter. Criteria: Invitae Variant Classification Sherloc (09022015). Collection method: clinical testing. Allele origin: germline.
Comment: This sequence change replaces glutamine with lysine at codon 256 of the DNAJC21 protein (p.Gln256Lys). The glutamine residue is highly conserved and there is a small physicochemical difference between glutamine and lysine. This variant is present in population databases (rs778531830, ExAC 0.003%). This variant has not been reported in the literature in individuals affected with DNAJC21-related conditions. Algorithms developed to predict the effect of missense changes on protein structure and function (SIFT, PolyPhen-2, Align-GVGD) all suggest that this variant is likely to be tolerated. In summary, the available evidence is currently insufficient to determine the role of this variant in disease. Therefore, it has been classified as a Variant of Uncertain Significance.